The following is an entry in ClinVar:

NM_004168.4(SDHA):c.1194G>T (p.Glu398Asp)

Gene: SDHA (succinate dehydrogenase complex flavoprotein subunit A; plus strand). Cytogenetic location: 5p15.33.
Variant type: single nucleotide variant.
Coding change: c.1194G>T on transcript NM_004168.4 (MANE Select); coding-DNA position 1194, G replaced by T.
Protein change: p.Glu398Asp; replaces glutamic acid 398 with aspartic acid.
Molecular consequence: missense variant.
Genome position (GRCh38, 1-based): chr5:235,273, G>T. VCF-style: chr5-235273-G-T. GRCh37 (hg19) VCF-style: chr5-235388-G-T.
Other names: c.1050G>T, p.Glu350Asp (NM_001294332.2); c.1194G>T, p.Glu398Asp (NM_001330758.2); short protein forms E350D, E398D.
Identifiers: ClinVar variation 2953947 (VCV002953947.3), dbSNP rs1735703214, ClinGen allele CA359013644.

ClinVar aggregate classification (germline): Uncertain significance (1 of 4 stars; one submission).

Conditions:
Mitochondrial complex II deficiency, nuclear type 1. Also called: SUCCINATE CoQ REDUCTASE DEFICIENCY. Identifiers: Orphanet 3208, MedGen C5700310, MONDO:0100294, OMIM 252011.
Pheochromocytoma/paraganglioma syndrome 5. Also called: Paragangliomas 5; SDHA-Related Hereditary Paraganglioma-Pheochromocytoma Syndrome. Identifiers: Orphanet 29072, MedGen C3279992, MONDO:0013602, OMIM 614165.

Submission:

Labcorp Genetics (formerly Invitae), Labcorp
Classification: Uncertain significance for Pheochromocytoma/paraganglioma syndrome 5; Mitochondrial complex II deficiency, nuclear type 1. Last evaluated: 2023-11-17. Review status: criteria provided, single submitter. Criteria: Invitae Variant Classification Sherloc (09022015). Collection method: clinical testing. Allele origin: germline.
Comment: This sequence change replaces glutamic acid, which is acidic and polar, with aspartic acid, which is acidic and polar, at codon 398 of the SDHA protein (p.Glu398Asp). This variant is not present in population databases (gnomAD no frequency). This variant has not been reported in the literature in individuals affected with SDHA-related conditions. Advanced modeling of protein sequence and biophysical properties (such as structural, functional, and spatial information, amino acid conservation, physicochemical variation, residue mobility, and thermodynamic stability) performed at Invitae indicates that this missense variant is not expected to disrupt SDHA protein function with a negative predictive value of 95%. In summary, the available evidence is currently insufficient to determine the role of this variant in disease. Therefore, it has been classified as a Variant of Uncertain Significance.